The following is an entry in ClinVar:

NM_020774.4(MIB1):c.2650_2651del (p.Met884fs)

Gene: MIB1 (MIB E3 ubiquitin protein ligase 1; plus strand). Cytogenetic location: 18q11.2.
Variant type: Deletion.
Coding change: c.2650_2651del on transcript NM_020774.4 (MANE Select); coding-DNA positions 2650 to 2651, 2 bases deleted (AT; older notation c.2650_2651delAT).
Protein change: p.Met884fs; shifts the reading frame from methionine 884.
Molecular consequence: frameshift variant.
Genome position (GRCh38, 1-based): chr18:21,853,203-21,853,204, AT deleted. VCF-style (leftmost placement, unchanged base first): chr18-21853202-CAT-C. GRCh37 (hg19) VCF-style: chr18-19433163-CAT-C.
Other names: c.2650_2651delAT (NM_020774.3); short protein forms M884fs.
Identifiers: ClinVar variation 1312687 (VCV001312687.4), dbSNP rs765387378, ClinGen allele CA8908651.
Genomic context (GRCh38, chr18:21,853,202, plus strand): 5'-TGAAGAATGTGTGGTATGCTCTGACAAGAAAGCAGCTGTTCTTTTTCAACCCTGTGGCCA[CAT>C]GTGTGCTTGTGAGAGTAAGTAGCCTATGCAGAGTTCCTCAATATTATTATAAAAATAGAA-3'

ClinVar aggregate classification (germline): Uncertain significance. Review status: criteria provided, multiple submitters, no conflicts (2 of 4 stars). 3 submissions from 3 submitters: Uncertain significance (3). Last evaluated 2026-09-25.

Conditions:
MIB1-related disorder. Also called: MIB1-related condition.

Allele frequency attached by ClinVar (database versions not stated): gnomAD exomes 0.00002; TOPMed 0.00002; gnomAD 0.00003; ExAC 0.00004.

Submissions (3):

PreventionGenetics, part of Exact Sciences
Classification: Uncertain significance for MIB1-related condition. Last evaluated: 2026-09-25. Review status: criteria provided, single submitter. Criteria: ACMG Guidelines, 2015. Collection method: clinical testing. Allele origin: germline.
Comment: The MIB1 c.2650_2651delAT variant is predicted to result in a frameshift and premature protein termination (p.Met884Valfs*4). This variant has been reported in an individual with early-onset atrial fibrillation (eTable 2, Yoneda et al. 2021. PubMed ID: 34495297). This variant is reported in 0.0050% of alleles in individuals of East Asian descent in gnomAD. Loss of function has not been established as a mechanism of MIB1-related disease. At this time, the clinical significance of this variant is uncertain due to the absence of conclusive functional and genetic evidence.

AiLife Diagnostics
Classification: Uncertain significance. Last evaluated: 2022-01-26. Review status: criteria provided, single submitter. Criteria: ACMG Guidelines, 2015. Collection method: clinical testing. Allele origin: germline. Affected: yes. Observed: 1 variant allele.

GeneDx
Classification: Uncertain significance. Last evaluated: 2020-06-09. Review status: criteria provided, single submitter. Criteria: GeneDx Variant Classification Process June 2021. Collection method: clinical testing. Allele origin: germline. Affected: yes.
Comment: Has not been previously published as pathogenic or benign to our knowledge; Frameshift variant predicted to result in protein truncation or nonsense mediated decay in a gene for which loss-of-function is not a known mechanism of disease